The following is an entry in ClinVar:

NM_020937.4(FANCM):c.3267T>C (p.Asn1089=)

Gene: FANCM (FA complementation group M; plus strand). Cytogenetic location: 14q21.2.
Variant type: single nucleotide variant.
Coding change: c.3267T>C on transcript NM_020937.4 (MANE Select); coding-DNA position 3267, T replaced by C.
Protein change: p.Asn1089=; no amino-acid change (asparagine 1089 retained).
Molecular consequence: synonymous variant.
Genome position (GRCh38, 1-based): chr14:45,176,021, T>C. VCF-style: chr14-45176021-T-C. GRCh37 (hg19) VCF-style: chr14-45645224-T-C.
Other names: c.3189T>C, p.Asn1063= (NM_001308133.2).
Identifiers: ClinVar variation 4533131 (VCV004533131.1).

ClinVar aggregate classification (germline): Uncertain significance (1 of 4 stars; one submission).

Submission:

Quest Diagnostics Nichols Institute San Juan Capistrano
Classification: Uncertain significance. Last evaluated: 2025-04-21. Review status: criteria provided, single submitter. Criteria: Quest Diagnostics criteria. Collection method: clinical testing. Allele origin: unknown.
Comment: The FANCM c.3267T>C (p.Asn1089=) synonymous variant has not been reported in individuals with FANCM-related conditions in the published literature. It also has not been reported in large, multi-ethnic general populations (Genome Aggregation Database). Analysis of this variant using software algorithms for the prediction of the effect of nucleotide changes on splicing yielded predictions that this variant does not affect FANCM mRNA splicing. Based on the available information, we are unable to determine the clinical significance of this variant.